The following is an entry in ClinVar:

NM_001378120.1(MBD5):c.1499_1500dup (p.Arg501fs)

Gene: MBD5 (methyl-CpG binding domain protein 5; plus strand). Cytogenetic location: 2q23.1.
Variant type: Duplication.
Coding change: c.1499_1500dup on transcript NM_001378120.1 (MANE Select); coding-DNA positions 1499 to 1500, 2 bases duplicated (CA; older notation c.1499_1500dupCA).
Protein change: p.Arg501fs; shifts the reading frame from arginine 501.
Molecular consequence: frameshift variant.
Genome position (GRCh38, 1-based): chr2:148,469,442-148,469,443, CA duplicated. VCF-style (leftmost placement, unchanged base first): chr2-148469441-C-CCA. GRCh37 (hg19) VCF-style: chr2-149227010-C-CCA.
Other names: c.1499_1500dup, p.Arg501fs (NM_018328.5); short protein forms R501fs.
Identifiers: ClinVar variation 1453746 (VCV001453746.6), dbSNP rs2105633619, ClinGen allele CA2573133298.

ClinVar aggregate classification (germline): Pathogenic (1 of 4 stars; one submission).

Conditions:
Intellectual developmental disorder, autosomal dominant 1. Also called: Intellectual disability, autosomal dominant 1; MBD5 Haploinsufficiency. Identifiers: Orphanet 228402, MedGen C1969562, MONDO:0007974, OMIM 156200.

Submission:

Labcorp Genetics (formerly Invitae), Labcorp
Classification: Pathogenic for Intellectual developmental disorder, autosomal dominant 1. Last evaluated: 2022-02-04. Review status: criteria provided, single submitter. Criteria: Invitae Variant Classification Sherloc (09022015). Collection method: clinical testing. Allele origin: germline.
Comment: This sequence change creates a premature translational stop signal (p.Arg501Glnfs*26) in the MBD5 gene. It is expected to result in an absent or disrupted protein product. Loss-of-function variants in MBD5 are known to be pathogenic (PMID: 23422940, 23587880). For these reasons, this variant has been classified as Pathogenic. This variant has not been reported in the literature in individuals affected with MBD5-related conditions. This variant is not present in population databases (gnomAD no frequency).

Literature cited by the submitters: PubMed 23422940; PubMed 23587880.